The following is an entry in ClinVar:

NM_014991.6(WDFY3):c.2745_2747del (p.Glu915del)

Genes: WDFY3 (WD repeat and FYVE domain containing 3; minus strand), WDFY3-AS1 (WDFY3 antisense RNA 1; plus strand). Cytogenetic location: 4q21.23.
Variant type: Deletion.
Coding change: c.2745_2747del on transcript NM_014991.6 (MANE Select); coding-DNA positions 2745 to 2747, 3 bases deleted (GGA; older notation c.2745_2747delGGA).
Protein change: p.Glu915del; deletes glutamic acid 915.
Genome position (GRCh38, 1-based): chr4:84,801,725-84,801,727, TCC deleted on the plus strand (GGA on the coding strand, the reverse complement: WDFY3 is on the minus strand); deleting any 3 consecutive bases within chr4:84,801,725-84,801,729 gives the same sequence; the c. name uses the placement nearest the transcript's 3' end. VCF-style (leftmost placement, unchanged base first): chr4-84801724-GTCC-G. GRCh37 (hg19) VCF-style: chr4-85722877-GTCC-G.
Other names: short protein forms E915del.
Identifiers: ClinVar variation 4755987 (VCV004755987.1).

ClinVar aggregate classification (germline): Uncertain significance (1 of 4 stars; one submission).

Submission:

GeneDx
Classification: Uncertain significance. Last evaluated: 2025-08-04. Review status: criteria provided, single submitter. Criteria: GeneDx Variant Classification Process June 2021. Collection method: clinical testing. Allele origin: germline. Affected: yes.
Comment: Not observed at significant frequency in large population cohorts (gnomAD); In-frame deletion of 1 amino acid(s) in a non-repeat region; In silico analysis supports a deleterious effect on protein structure/function; Has not been previously published as pathogenic or benign to our knowledge